The following is an entry in ClinVar:

NM_003954.5(MAP3K14):c.296G>A (p.Arg99His)

Gene: MAP3K14 (mitogen-activated protein kinase kinase kinase 14; minus strand). Cytogenetic location: 17q21.31.
Variant type: single nucleotide variant.
Coding change: c.296G>A on transcript NM_003954.5 (MANE Select); coding-DNA position 296, G replaced by A.
Protein change: p.Arg99His; replaces arginine 99 with histidine.
Molecular consequence: missense variant.
Genome position (GRCh38, 1-based): chr17:45,289,266, C>T on the plus strand (G>A on the coding strand, the complement: MAP3K14 is on the minus strand). VCF-style: chr17-45289266-C-T. GRCh37 (hg19) VCF-style: chr17-43366632-C-T.
Other names: c.296G>A, p.Arg99His (LRG_1222t1); c.296G>A (NM_003954.3); short protein forms R99H.
Identifiers: ClinVar variation 544320 (VCV000544320.10), dbSNP rs762182665, ClinGen allele CA8614405.

ClinVar aggregate classification (germline): Uncertain significance. Review status: criteria provided, multiple submitters, no conflicts (2 of 4 stars). 2 submissions from 2 submitters: Uncertain significance (2). Last evaluated 2024-07-01.

Conditions:
NIK deficiency. Also called: Primary immunodeficiency with multifaceted aberrant lymphoid immunity. Identifiers: Orphanet 447731, MedGen C5680065, MONDO:0018642.

Allele frequency attached by ClinVar (database versions not stated): ExAC 0.00001; gnomAD exomes 0.00002; TOPMed 0.00006; gnomAD 0.00007.
gnomAD v4.1: 32 of 1,613,792 alleles (0.002%); highest among the groups gnomAD compares: African/African-American, 0.024%; no homozygotes.

Submissions (2):

Labcorp Genetics (formerly Invitae), Labcorp
Classification: Uncertain significance for NIK deficiency. Last evaluated: 2024-07-01. Review status: criteria provided, single submitter. Criteria: Invitae Variant Classification Sherloc (09022015). Collection method: clinical testing. Allele origin: germline.
Comment: This sequence change replaces arginine, which is basic and polar, with histidine, which is basic and polar, at codon 99 of the MAP3K14 protein (p.Arg99His). This variant is present in population databases (rs762182665, gnomAD 0.02%). This variant has not been reported in the literature in individuals affected with MAP3K14-related conditions. ClinVar contains an entry for this variant (Variation ID: 544320). Experimental studies and prediction algorithms are not available or were not evaluated, and the functional significance of this variant is currently unknown. In summary, the available evidence is currently insufficient to determine the role of this variant in disease. Therefore, it has been classified as a Variant of Uncertain Significance.

Ambry Genetics
Classification: Uncertain significance. Last evaluated: 2023-09-22. Review status: criteria provided, single submitter. Criteria: Ambry Variant Classification Scheme 2023. Collection method: clinical testing. Allele origin: germline.